The following is an entry in ClinVar:

ClinVar aggregate classification (germline): Benign (1 of 4 stars; one submission).

Conditions:
Hereditary diffuse gastric adenocarcinoma (HDGC). Also called: DIFFUSE GASTRIC AND LOBULAR BREAST CANCER SYNDROME. Identifiers: Orphanet 26106, MedGen C1708349, MONDO:0007648, OMIM 137215.

Submission:

Myriad Genetics, Inc.
Classification: Benign for Hereditary diffuse gastric adenocarcinoma. Last evaluated: 2024-09-17. Review status: criteria provided, single submitter. Criteria: Myriad Autosomal Dominant, Autosomal Recessive and X-Linked Classification Criteria (2023). Collection method: clinical testing. Allele origin: unknown.
Comment: This variant is considered benign. This variant is a silent/synonymous amino acid change and it is not expected to impact splicing.

NM_004360.5(CDH1):c.957T>C (p.Ile319=)

Gene: CDH1 (cadherin 1; plus strand). Cytogenetic location: 16q22.1.
Variant type: single nucleotide variant.
Coding change: c.957T>C on transcript NM_004360.5 (MANE Select); coding-DNA position 957, T replaced by C.
Protein change: p.Ile319=; no amino-acid change (isoleucine 319 retained).
Molecular consequence: synonymous variant. On other transcripts: 5 prime UTR variant (2).
Genome position (GRCh38, 1-based): chr16:68,811,808, T>C. VCF-style: chr16-68811808-T-C. GRCh37 (hg19) VCF-style: chr16-68845711-T-C.
Other names: c.957T>C, p.Ile319= (NM_001317184.2); c.-659T>C (NM_001317185.2); c.-863T>C (NM_001317186.2).
Identifiers: ClinVar variation 3378498 (VCV003378498.1).
Genomic context (GRCh38, chr16:68,811,808, plus strand): 5'-CATCGCTTACACCATCCTCAGCCAAGATCCTGAGCTCCCTGACAAAAATATGTTCACCAT[T>C]AACAGGAACACAGGAGTCATCAGTGTGGTCACCACTGGGCTGGACCGAGAGGTCAGGGGT-3'
Protein context (NP_004351.1, residues 309-329): PELPDKNMFT[Ile319=]NRNTGVISVV